The following is an entry in ClinVar:

NM_014003.4(DHX38):c.2893A>G (p.Met965Val)

Genes: DHX38 (DEAH-box helicase 38; plus strand), LOC126862391 (CDK7 strongly-dependent group 2 enhancer GRCh37_chr16:72141414-72142613; plus strand). Cytogenetic location: 16q22.2.
Variant type: single nucleotide variant.
Coding change: c.2893A>G on transcript NM_014003.4 (MANE Select); coding-DNA position 2893, A replaced by G.
Protein change: p.Met965Val; replaces methionine 965 with valine.
Molecular consequence: missense variant.
Genome position (GRCh38, 1-based): chr16:72,107,728, A>G. VCF-style: chr16-72107728-A-G. GRCh37 (hg19) VCF-style: chr16-72141627-A-G.
Other names: c.2893A>G (NM_014003.3); short protein forms M965V.
Identifiers: ClinVar variation 1503331 (VCV001503331.8), dbSNP rs780160485, ClinGen allele CA8160800.

ClinVar aggregate classification (germline): Uncertain significance. Review status: criteria provided, multiple submitters, no conflicts (2 of 4 stars). 2 submissions from 2 submitters: Uncertain significance (2). Last evaluated 2024-03-20.

gnomAD v4.1: 102 of 1,613,856 alleles (0.0063%); highest among the groups gnomAD compares: Middle Eastern, 0.016%; no homozygotes.

Submissions (2):

Ambry Genetics
Classification: Uncertain significance. Last evaluated: 2024-03-20. Review status: criteria provided, single submitter. Criteria: Ambry Variant Classification Scheme 2023. Collection method: clinical testing. Allele origin: germline.

Labcorp Genetics (formerly Invitae), Labcorp
Classification: Uncertain significance. Last evaluated: 2022-07-25. Review status: criteria provided, single submitter. Criteria: Invitae Variant Classification Sherloc (09022015). Collection method: clinical testing. Allele origin: germline.
Comment: Algorithms developed to predict the effect of sequence changes on RNA splicing suggest that this variant may create or strengthen a splice site. In summary, the available evidence is currently insufficient to determine the role of this variant in disease. Therefore, it has been classified as a Variant of Uncertain Significance. Algorithms developed to predict the effect of missense changes on protein structure and function are either unavailable or do not agree on the potential impact of this missense change (SIFT: "Deleterious"; PolyPhen-2: "Benign"; Align-GVGD: "Class C15"). ClinVar contains an entry for this variant (Variation ID: 1503331). This variant has not been reported in the literature in individuals affected with DHX38-related conditions. This variant is present in population databases (rs780160485, gnomAD 0.004%). This sequence change replaces methionine, which is neutral and non-polar, with valine, which is neutral and non-polar, at codon 965 of the DHX38 protein (p.Met965Val).